The following is an entry in ClinVar:

ClinVar aggregate classification (germline): Uncertain significance (1 of 4 stars; one submission).

Conditions:
Neurofibromatosis, type 1 (NF1). Also called: VON RECKLINGHAUSEN DISEASE; Peripheral type neurofibromatosis; NEUROFIBROMATOSIS, TYPE I, SOMATIC; Neurofibromatosis, type I. Identifiers: Orphanet 636, MedGen C0027831, MONDO:0018975, OMIM 162200. Disease mechanism: loss of function.

Submission:

Labcorp Genetics (formerly Invitae), Labcorp
Classification: Uncertain significance for Neurofibromatosis, type 1. Last evaluated: 2025-01-06. Review status: criteria provided, single submitter. Criteria: Invitae Variant Classification Sherloc (09022015). Collection method: clinical testing. Allele origin: germline.
Comment: This sequence change replaces methionine, which is neutral and non-polar, with leucine, which is neutral and non-polar, at codon 748 of the NF1 protein (p.Met748Leu). This variant is not present in population databases (gnomAD no frequency). This variant has not been reported in the literature in individuals affected with NF1-related conditions. Invitae Evidence Modeling of protein sequence and biophysical properties (such as structural, functional, and spatial information, amino acid conservation, physicochemical variation, residue mobility, and thermodynamic stability) indicates that this missense variant is not expected to disrupt NF1 protein function with a negative predictive value of 95%. In summary, the available evidence is currently insufficient to determine the role of this variant in disease. Therefore, it has been classified as a Variant of Uncertain Significance.

NM_001042492.3(NF1):c.2242A>C (p.Met748Leu)

Gene: NF1 (neurofibromin 1; plus strand). Cytogenetic location: 17q11.2.
Variant type: single nucleotide variant.
Coding change: c.2242A>C on transcript NM_001042492.3 (MANE Select); coding-DNA position 2242, A replaced by C.
Protein change: p.Met748Leu; replaces methionine 748 with leucine.
Molecular consequence: missense variant.
Genome position (GRCh38, 1-based): chr17:31,226,675, A>C. VCF-style: chr17-31226675-A-C. GRCh37 (hg19) VCF-style: chr17-29553693-A-C.
Other names: c.2242A>C, p.Met748Leu (NM_000267.4); short protein forms M748L.
Identifiers: ClinVar variation 3634509 (VCV003634509.2).
Genomic context (GRCh38, chr17:31,226,675, plus strand): 5'-GTGCATAACCTCTTGCCCAACTATAACACATTCATGGAGTTTGCCTCTGTCAGCAATATG[A>C]TGTCAACAGGTAAATGTGAATAGTGGTTTTTTTTACTCAGTCTGCCTCAAAGCACATGGC-3'
Protein context (NP_001035957.1, residues 738-758): FMEFASVSNM[Met748Leu]STGRAALQKR